The following is an entry in ClinVar:

NM_001001548.3(CD36):c.1150del (p.Ala384fs)

Gene: CD36 (CD36 molecule (CD36 blood group); plus strand). Cytogenetic location: 7q21.11.
Variant type: Deletion.
Coding change: c.1150del on transcript NM_001001548.3 (MANE Select); coding-DNA position 1150, one base deleted (G; older notation c.1150delG).
Protein change: p.Ala384fs; shifts the reading frame from alanine 384.
Molecular consequence: frameshift variant. On other transcripts: non-coding transcript variant (1).
Genome position (GRCh38, 1-based): chr7:80,672,794, G deleted. VCF-style (leftmost placement, unchanged base first): chr7-80672793-TG-T. GRCh37 (hg19) VCF-style: chr7-80302109-TG-T.
Other names: c.1150del, p.Ala384fs (NM_000072.3, NM_001001547.3, NM_001127443.2 and 5 more transcripts); c.1033del, p.Ala345fs (NM_001289908.1); c.970del, p.Ala324fs (NM_001289909.1); c.922del, p.Ala308fs (NM_001289911.2); c.1048del, p.Ala350fs (NM_001371079.1); c.685del, p.Ala229fs (NM_001371080.1, NM_001371081.1); c.1150del (NM_001001548.2); short protein forms A229fs, A308fs, A324fs, A345fs, A350fs, A384fs.
Identifiers: ClinVar variation 692065 (VCV000692065.4), dbSNP rs551607784, ClinGen allele CA4315633.
Genomic context (GRCh38, chr7:80,672,793, plus strand): 5'-TTAAAAGTTGGTAATTATTTAGTTGTTCTCTTTTTAGATAACTGGATTCACTTTACAATT[TG>T]CAAAACGGCTGCAGGTCAACCTATTGGTCAAGCCATCAGAAAAAATTCAGTGAGTCTCTT-3'

ClinVar aggregate classification (germline): Likely pathogenic. Review status: criteria provided, multiple submitters, no conflicts (2 of 4 stars). 4 submissions from 4 submitters: Likely pathogenic (2). 2 of the submissions do not count toward it. Last evaluated 2022-06-13.

Conditions:
Platelet-type bleeding disorder 10. Also called: CD36 DEFICIENCY. Identifiers: MedGen C1842090, MONDO:0012031, OMIM 608404.

Allele frequency attached by ClinVar (database versions not stated): gnomAD exomes 0.00010 and 0.00039; ExAC 0.00048; ESP Exome Variant Server 0.00080; gnomAD 0.00149 and 0.00157; TOPMed 0.00149; 1000 Genomes Project 0.00160; 1000 Genomes Project 30x 0.00172.

Submissions (4):

Department of Pathology and Laboratory Medicine, Sinai Health System
Classification: Likely pathogenic for Platelet-type bleeding disorder 10. Last evaluated: 2022-06-13. Review status: criteria provided, single submitter. Criteria: ACMG Guidelines, 2015. Collection method: research. Allele origin: germline.

Rady Children's Institute for Genomic Medicine, Rady Children's Hospital San Diego
Classification: Likely pathogenic for PLATELET GLYCOPROTEIN IV DEFICIENCY. Last evaluated: 2018-12-21. Review status: criteria provided, single submitter. Criteria: ACMG Guidelines, 2015. Collection method: clinical testing. Allele origin: germline. Affected: yes. Observed: 1 variant allele.
Comment: This frameshifting variant in exon 15 of 17 introduces a premature stop codon and is therefore predicted to result in loss of normal protein function. This variant has not been previously reported or functionally characterized in the literature to our knowledge. It is present in the heterozygous state in the gnomAD population database at a frequency of 0.05% (139/275630), but as high as 0.5% (132/23932) in the African population sampled. This allele frequency is in keeping with high overall prevalence of CD36 deficiency in African and certain other populations. Based on the available evidence, the c.1150del (p.Ala384GlnfsTer19) variant is classified as likely pathogenic.

Clinical Genetics DNA and cytogenetics Diagnostics Lab, Erasmus MC, Erasmus Medical Center
Classification: Pathogenic. Review status: no assertion criteria provided. Collection method: clinical testing. Allele origin: germline. Affected: yes. Study: VKGL Data-share Consensus. Not counted in ClinVar's aggregate classification.

Genome Diagnostics Laboratory, University Medical Center Utrecht
Classification: Pathogenic. Review status: no assertion criteria provided. Collection method: clinical testing. Allele origin: germline. Affected: yes. Study: VKGL Data-share Consensus. Not counted in ClinVar's aggregate classification.